The following is an entry in ClinVar:

NM_181507.2(HPS5):c.3365G>A (p.Arg1122Gln)

Gene: HPS5 (HPS5 biogenesis of lysosomal organelles complex 2 subunit 2; minus strand). Cytogenetic location: 11p15.1.
Variant type: single nucleotide variant.
Coding change: c.3365G>A on transcript NM_181507.2 (MANE Select); coding-DNA position 3365, G replaced by A.
Protein change: p.Arg1122Gln; replaces arginine 1122 with glutamine.
Molecular consequence: missense variant.
Genome position (GRCh38, 1-based): chr11:18,279,907, C>T on the plus strand (G>A on the coding strand, the complement: HPS5 is on the minus strand). VCF-style: chr11-18279907-C-T. GRCh37 (hg19) VCF-style: chr11-18301454-C-T.
Other names: c.3023G>A, p.Arg1008Gln (NM_007216.4, NM_181508.2); short protein forms R1122Q, R1008Q.
Identifiers: ClinVar variation 1491034 (VCV001491034.6), dbSNP rs201017833, ClinGen allele CA5909571.

ClinVar aggregate classification (germline): Uncertain significance. Review status: criteria provided, multiple submitters, no conflicts (2 of 4 stars). 2 submissions from 2 submitters: Uncertain significance (2). Last evaluated 2022-06-03.

Conditions:
Inborn genetic diseases. Identifiers: MedGen C0950123, MeSH D030342.

Allele frequency attached by ClinVar (database versions not stated): gnomAD 0.00002 and 0.00003; TOPMed 0.00002; 1000 Genomes Project 30x 0.00016; 1000 Genomes Project 0.00020; ExAC 0.00001.
gnomAD v4.1: 35 of 1,614,126 alleles (0.0022%); highest among the groups gnomAD compares: East Asian, 0.013%; no homozygotes.

Submissions (2):

Ambry Genetics
Classification: Uncertain significance for Inborn genetic diseases. Last evaluated: 2022-06-03. Review status: criteria provided, single submitter. Criteria: Ambry Variant Classification Scheme 2023. Collection method: clinical testing. Allele origin: germline.

Labcorp Genetics (formerly Invitae), Labcorp
Classification: Uncertain significance. Last evaluated: 2021-09-01. Review status: criteria provided, single submitter. Criteria: Invitae Variant Classification Sherloc (09022015). Collection method: clinical testing. Allele origin: germline.
Comment: This sequence change replaces arginine with glutamine at codon 1122 of the HPS5 protein (p.Arg1122Gln). The arginine residue is moderately conserved and there is a small physicochemical difference between arginine and glutamine. This variant is present in population databases (rs201017833, ExAC 0.01%). This variant has not been reported in the literature in individuals affected with HPS5-related conditions. Algorithms developed to predict the effect of missense changes on protein structure and function (SIFT, PolyPhen-2, Align-GVGD) all suggest that this variant is likely to be tolerated. In summary, the available evidence is currently insufficient to determine the role of this variant in disease. Therefore, it has been classified as a Variant of Uncertain Significance.